The following is an entry in ClinVar:

NM_018993.4(RIN2):c.57+36G>A

Gene: RIN2 (Ras and Rab interactor 2; plus strand). Cytogenetic location: 20p11.23.
Variant type: single nucleotide variant.
Coding change: c.57+36G>A on transcript NM_018993.4 (MANE Select); 36 bases into the intron after coding-DNA position 57, G replaced by A.
Molecular consequence: intron variant.
Genome position (GRCh38, 1-based): chr20:19,889,694, G>A. VCF-style: chr20-19889694-G-A. GRCh37 (hg19) VCF-style: chr20-19870338-G-A.
Other names: c.-489+36G>A (NM_001378238.1); c.204+36G>A (NM_001242581.2).
Identifiers: ClinVar variation 679883 (VCV000679883.2), dbSNP rs41279004, ClinGen allele CA9779694.

ClinVar aggregate classification (germline): Likely benign. Review status: criteria provided, multiple submitters, no conflicts (2 of 4 stars). 2 submissions from 2 submitters: Likely benign (2). Last evaluated 2018-06-19.

Allele frequency attached by ClinVar (database versions not stated): 1000 Genomes Project 0.00699; 1000 Genomes Project 30x 0.00734; gnomAD exomes 0.01425 and 0.02463; TOPMed 0.01493; gnomAD 0.01497 and 0.01536; ESP Exome Variant Server 0.01679; ExAC 0.01742.
gnomAD v4.1: 33,464 of 1,425,436 alleles (2.3%); highest among the groups gnomAD compares: Non-Finnish European, 2.8%; 489 homozygotes.

Submissions (2):

GeneDx
Classification: Likely benign. Last evaluated: 2018-06-19. Review status: criteria provided, single submitter. Criteria: GeneDx Variant Classification (06012015). Collection method: clinical testing. Allele origin: germline. Affected: yes.
Comment: This variant is considered likely benign or benign based on one or more of the following criteria: it is a conservative change, it occurs at a poorly conserved position in the protein, it is predicted to be benign by multiple in silico algorithms, and/or has population frequency not consistent with disease.

Breakthrough Genomics
Classification: Likely benign. Review status: criteria provided, single submitter. Criteria: ACMG Guidelines, 2015. Collection method: not provided. Allele origin: germline. Inheritance: Autosomal recessive inheritance. Affected: yes.